The following is an entry in ClinVar:

NM_001384140.1(PCDH15):c.318+1G>A

Gene: PCDH15 (protocadherin related 15; minus strand). Cytogenetic location: 10q21.1.
Variant type: single nucleotide variant.
Coding change: c.318+1G>A on transcript NM_001384140.1 (MANE Select); the canonical splice donor site of the intron after coding-DNA position 318, G replaced by A.
Molecular consequence: splice donor variant.
Genome position (GRCh38, 1-based): chr10:54,378,781, C>T on the plus strand (G>A on the coding strand, the complement: PCDH15 is on the minus strand). VCF-style: chr10-54378781-C-T. GRCh37 (hg19) VCF-style: chr10-56138541-C-T.
Other names: c.318+1G>A (NM_001354420.2, NM_001354429.2, NM_001142772.2 and 8 more transcripts); c.333+1G>A (NM_001142771.2, NM_001142769.3, NM_001142763.2); c.252+1G>A (NM_001354404.2, NM_001142773.2, NM_001142768.2).
Identifiers: ClinVar variation 2046224 (VCV002046224.4), dbSNP rs2135022283, ClinGen allele CA376540396.
Genomic context (GRCh38, chr10:54,378,781, plus strand): 5'-ACATAGACATTTAAATTATAATAAACTTATATTACAGGGGCAAAGAAAAAAAATCACTAA[C>T]ATCTCTATCCAGAACTCTTCCGGTGCTGTTCAGGAAAAGCATTTGCTTAACAGGATCCAT-3'

ClinVar aggregate classification (germline): Likely pathogenic (1 of 4 stars; one submission).

Submission:

Labcorp Genetics (formerly Invitae), Labcorp
Classification: Likely pathogenic. Last evaluated: 2022-04-11. Review status: criteria provided, single submitter. Criteria: Invitae Variant Classification Sherloc (09022015). Collection method: clinical testing. Allele origin: germline.
Comment: In summary, the currently available evidence indicates that the variant is pathogenic, but additional data are needed to prove that conclusively. Therefore, this variant has been classified as Likely Pathogenic. Algorithms developed to predict the effect of sequence changes on RNA splicing suggest that this variant may disrupt the consensus splice site. This variant has not been reported in the literature in individuals affected with PCDH15-related conditions. This variant is not present in population databases (gnomAD no frequency). This sequence change affects a donor splice site in intron 4 of the PCDH15 gene. It is expected to disrupt RNA splicing. Variants that disrupt the donor or acceptor splice site typically lead to a loss of protein function (PMID: 16199547), and loss-of-function variants in PCDH15 are known to be pathogenic (PMID: 11398101, 11487575, 14570705).

Literature cited by the submitters: PubMed 16199547; PubMed 11398101; PubMed 11487575; PubMed 14570705.